The following is an entry in ClinVar:

NM_001035.3(RYR2):c.6504C>T (p.His2168=)

Gene: RYR2 (ryanodine receptor 2; plus strand). Cytogenetic location: 1q43.
Variant type: single nucleotide variant.
Coding change: c.6504C>T on transcript NM_001035.3 (MANE Select); coding-DNA position 6504, C replaced by T.
Protein change: p.His2168=; no amino-acid change (histidine 2168 retained).
Molecular consequence: synonymous variant.
Genome position (GRCh38, 1-based): chr1:237,631,490, C>T. VCF-style: chr1-237631490-C-T. GRCh37 (hg19) VCF-style: chr1-237794790-C-T.
Identifiers: ClinVar variation 1086649 (VCV001086649.35), dbSNP rs760237464, ClinGen allele CA087127.
Genomic context (GRCh38, chr1:237,631,490, plus strand): 5'-TATTATGAATAACAAAGTGTTTTACCAGCACCCTAATCTCATGAGGGCACTGGGGATGCA[C>T]GAGACTGTGATGGAGGTCATGGTGAACGTCCTTGGAGGTGGAGAGTCCAAGGTAACGTCT-3'
Protein context (NP_001026.2, residues 2158-2178): HPNLMRALGM[His2168=]ETVMEVMVNV

ClinVar aggregate classification (germline): Likely benign. Review status: criteria provided, multiple submitters, no conflicts (2 of 4 stars). 3 submissions from 3 submitters: Likely benign (3). Last evaluated 2024-04-25.

Conditions:
Cardiomyopathy (CMYO). Also called: Cardiomyopathies. Identifiers: Orphanet 167848, MedGen C0878544, MONDO:0004994, HP:0001638. Inheritance: Various modes of inheritance.
Catecholaminergic polymorphic ventricular tachycardia 1. Also called: RYR2-Related Catecholaminergic Polymorphic Ventricular Tachycardia; VENTRICULAR TACHYCARDIA, CATECHOLAMINERGIC POLYMORPHIC, 1, WITH OR WITHOUT ATRIAL DYSFUNCTION AND/OR DILATED CARDIOMYOPATHY; VENTRICULAR TACHYCARDIA, STRESS-INDUCED POLYMORPHIC 1. Identifiers: Orphanet 3286, MedGen C1631597, MONDO:0011484, OMIM 604772.

Allele frequency attached by ClinVar (database versions not stated): TOPMed below 0.00001; gnomAD 0.00001; gnomAD exomes 0.00001 and 0.00003; ExAC 0.00003.
gnomAD v4.1: 22 of 1,613,264 alleles (0.0014%); highest among the groups gnomAD compares: South Asian, 0.0011%; no homozygotes.

Submissions (3):

Labcorp Genetics (formerly Invitae), Labcorp
Classification: Likely benign for Catecholaminergic polymorphic ventricular tachycardia 1. Last evaluated: 2024-04-25. Review status: criteria provided, single submitter. Criteria: Invitae Variant Classification Sherloc (09022015). Collection method: clinical testing. Allele origin: germline.

CeGaT Center for Human Genetics Tuebingen
Classification: Likely benign. Last evaluated: 2023-02-01. Review status: criteria provided, single submitter. Criteria: CeGaT Center For Human Genetics Tuebingen Variant Classification Criteria Version 2. Collection method: clinical testing. Allele origin: germline. Affected: yes. Observed: 1 variant allele.
Comment: RYR2: BP4, BP7

Color Diagnostics, LLC DBA Color Health
Classification: Likely benign for Cardiomyopathy. Last evaluated: 2021-02-18. Review status: criteria provided, single submitter. Criteria: ACMG Guidelines, 2015. Collection method: clinical testing. Allele origin: germline.